The following is an entry in ClinVar:

ClinVar aggregate classification (germline): Uncertain significance. Review status: criteria provided, multiple submitters, no conflicts (2 of 4 stars). 4 submissions from 4 submitters: Uncertain significance (4). Last evaluated 2025-12-01.

Conditions:
Epidermolysis bullosa simplex, Ogna type (EBS5A). Also called: Pidermolysis bullosa simplex 5A, Ogna type; EPIDERMOLYSIS BULLOSA SIMPLEX 5A, OGNA TYPE. Identifiers: Orphanet 79401, MedGen C0432317, MONDO:0007555, OMIM 131950.
Epidermolysis bullosa simplex 5C, with pyloric atresia (EBS5C). Also called: Epidermolysis bullosa simplex with pyloric atresia; PLEC-Related Epidermolysis Bullosa with Pyloric Atresia; PLEC1-Related Epidermolysis Bullosa with Pyloric Atresia. Identifiers: Orphanet 158684, MedGen C2677349, MONDO:0012807, OMIM 612138.
Epidermolysis bullosa simplex with nail dystrophy (EBS5D). Identifiers: MedGen C4225309, MONDO:0014661, OMIM 616487.
Epidermolysis bullosa simplex 5B, with muscular dystrophy (EBS5B). Also called: EPIDERMOLYSIS BULLOSA SIMPLEX AND LIMB-GIRDLE MUSCULAR DYSTROPHY; Epidermolysis bullosa simplex with muscular dystrophy. Identifiers: Orphanet 257, MedGen C2931072, MONDO:0009181, OMIM 226670.
Autosomal recessive limb-girdle muscular dystrophy type 2Q (LGMDR17). Also called: MUSCULAR DYSTROPHY, LIMB-GIRDLE, AUTOSOMAL RECESSIVE 17. Identifiers: Orphanet 254361, MedGen C3150989, MONDO:0013390, OMIM 613723.
Inborn genetic diseases. Identifiers: MedGen C0950123, MeSH D030342.

Allele frequency attached by ClinVar (database versions not stated): gnomAD 0.00002; TOPMed 0.00003; ExAC 0.00006; ESP Exome Variant Server 0.00017.
gnomAD v4.1: 40 of 1,595,530 alleles (0.0025%); highest among the groups gnomAD compares: Non-Finnish European, 0.0031%; no homozygotes.

Submissions (4):

Labcorp Genetics (formerly Invitae), Labcorp
Classification: Uncertain significance for Autosomal recessive limb-girdle muscular dystrophy type 2Q; Epidermolysis bullosa simplex, Ogna type; Epidermolysis bullosa simplex with nail dystrophy; Epidermolysis bullosa simplex 5C, with pyloric atresia; Epidermolysis bullosa simplex 5B, with muscular dystrophy. Last evaluated: 2025-12-01. Review status: criteria provided, single submitter. Criteria: Invitae Variant Classification Sherloc (09022015). Collection method: clinical testing. Allele origin: germline.
Comment: This sequence change replaces arginine, which is basic and polar, with glutamine, which is neutral and polar, at codon 2143 of the PLEC protein (p.Arg2143Gln). This variant is present in population databases (rs369095717, gnomAD 0.009%). This variant has not been reported in the literature in individuals affected with PLEC-related conditions. ClinVar contains an entry for this variant (Variation ID: 650339). An algorithm developed to predict the effect of missense changes on protein structure and function (PolyPhen-2) suggests that this variant is likely to be tolerated. In summary, the available evidence is currently insufficient to determine the role of this variant in disease. Therefore, it has been classified as a Variant of Uncertain Significance.

Ambry Genetics
Classification: Uncertain significance for Inborn genetic diseases. Last evaluated: 2025-05-17. Review status: criteria provided, single submitter. Criteria: Ambry Variant Classification Scheme 2023. Collection method: clinical testing. Allele origin: germline.

Revvity Omics, Revvity
Classification: Uncertain significance. Last evaluated: 2025-04-15. Review status: criteria provided, single submitter. Criteria: ACMG Guidelines, 2015. Collection method: clinical testing. Allele origin: germline.

Mayo Clinic Laboratories, Mayo Clinic
Classification: Uncertain significance. Last evaluated: 2023-03-20. Review status: criteria provided, single submitter. Criteria: ACMG Guidelines, 2015. Collection method: clinical testing. Allele origin: germline. Observed: 1 variant allele.
Comment: BP4

NM_201384.3(PLEC):c.6347G>A (p.Arg2116Gln)

Gene: PLEC (plectin; minus strand). Cytogenetic location: 8q24.3.
Variant type: single nucleotide variant.
Coding change: c.6347G>A on transcript NM_201384.3 (MANE Select); coding-DNA position 6347, G replaced by A.
Protein change: p.Arg2116Gln; replaces arginine 2116 with glutamine.
Molecular consequence: missense variant.
Genome position (GRCh38, 1-based): chr8:143,923,582, C>T on the plus strand (G>A on the coding strand, the complement: PLEC is on the minus strand). VCF-style: chr8-143923582-C-T. GRCh37 (hg19) VCF-style: chr8-144997750-C-T.
Other names: p.Arg2143Gln; c.6428G>A (NM_000445.3); c.6428G>A, p.Arg2143Gln (NM_000445.5); c.6305G>A, p.Arg2102Gln (NM_201378.4); c.6281G>A, p.Arg2094Gln (NM_201379.3); c.6758G>A, p.Arg2253Gln (NM_201380.4); c.6251G>A, p.Arg2084Gln (NM_201381.3); c.6347G>A, p.Arg2116Gln (NM_201382.4); and 1 more; short protein forms R2094Q, R2120Q, R2116Q, R2253Q, R2084Q, R2143Q, R2102Q.
Identifiers: ClinVar variation 650339 (VCV000650339.10), dbSNP rs369095717, ClinGen allele CA4926029.